The following is an entry in ClinVar:

NM_145239.3(PRRT2):c.970G>T (p.Gly324Ter)

Genes: MVP-DT (MVP divergent transcript; minus strand), PRRT2 (proline rich transmembrane protein 2; plus strand). Cytogenetic location: 16p11.2.
Variant type: single nucleotide variant.
Coding change: c.970G>T on transcript NM_145239.3 (MANE Select); coding-DNA position 970, G replaced by T.
Protein change: p.Gly324Ter; replaces glycine 324 with a stop codon.
Molecular consequence: nonsense. On other transcripts: 3 prime UTR variant (1).
Genome position (GRCh38, 1-based): chr16:29,814,423, G>T. VCF-style: chr16-29814423-G-T. GRCh37 (hg19) VCF-style: chr16-29825744-G-T.
Other names: c.970G>T, p.Gly324Ter (NM_001256442.2); c.*469G>T (NM_001256443.2); short protein forms G324*.
Identifiers: ClinVar variation 1400478 (VCV001400478.8), dbSNP rs906768870, ClinGen allele CA395480739.
Genomic context (GRCh38, chr16:29,814,423, plus strand): 5'-GACGGGGCCCAGCGTCTGGGCCGGGTAGCCAAGCTCTTAAGCATCGTGGCGCTGGTGGGG[G>T]GAGTCCTCATCATCATCGCCTCCTGCGTCATCAACTTAGGCGGTGAGTGGGGGCTTGGGA-3'

ClinVar aggregate classification (germline): Pathogenic (1 of 4 stars; one submission).

Conditions:
Episodic kinesigenic dyskinesia (EKD). Also called: Paroxysmal kinesigenic dyskinesia. Identifiers: Orphanet 98809, MedGen C1868682, MONDO:0044202.

Submission:

Labcorp Genetics (formerly Invitae), Labcorp
Classification: Pathogenic for Episodic kinesigenic dyskinesia. Last evaluated: 2022-03-14. Review status: criteria provided, single submitter. Criteria: Invitae Variant Classification Sherloc (09022015). Collection method: clinical testing. Allele origin: germline.
Comment: This variant disrupts a region of the PRRT2 protein in which other variant(s) (p.Val325Serfs*16) have been determined to be pathogenic (Invitae). This suggests that this is a clinically significant region of the protein, and that variants that disrupt it are likely to be disease-causing. For these reasons, this variant has been classified as Pathogenic. Algorithms developed to predict the effect of sequence changes on RNA splicing suggest that this variant may create or strengthen a splice site. This variant has not been reported in the literature in individuals affected with PRRT2-related conditions. This variant is not present in population databases (gnomAD no frequency). This sequence change creates a premature translational stop signal (p.Gly324*) in the PRRT2 gene. While this is not anticipated to result in nonsense mediated decay, it is expected to disrupt the last 17 amino acid(s) of the PRRT2 protein.